The following is an entry in ClinVar:

NM_004448.4(ERBB2):c.2686C>G (p.Arg896Gly)

Gene: ERBB2 (erb-b2 receptor tyrosine kinase 2; plus strand). Cytogenetic location: 17q12.
Variant type: single nucleotide variant.
Coding change: c.2686C>G on transcript NM_004448.4 (MANE Select); coding-DNA position 2686, C replaced by G.
Protein change: p.Arg896Gly; replaces arginine 896 with glycine.
Molecular consequence: missense variant. On other transcripts: non-coding transcript variant (1), intron variant (1).
Genome position (GRCh38, 1-based): chr17:39,725,363, C>G. VCF-style: chr17-39725363-C-G. GRCh37 (hg19) VCF-style: chr17-37881616-C-G.
Other names: c.2596C>G, p.Arg866Gly (NM_001005862.3, NM_001382782.1, NM_001382783.1); c.2641C>G, p.Arg881Gly (NM_001289936.2); c.2686C>G, p.Arg896Gly (NM_001289937.2, NM_001382796.1); c.2803C>G, p.Arg935Gly (NM_001382784.1); c.2788C>G, p.Arg930Gly (NM_001382785.1); c.2767C>G, p.Arg923Gly (NM_001382786.1); c.2761C>G, p.Arg921Gly (NM_001382787.1); c.2716C>G, p.Arg906Gly (NM_001382788.1); and 15 more; short protein forms R550G, R834G, R881G, R903G, R863G, R884G, R896G, R930G.
Identifiers: ClinVar variation 1351833 (VCV001351833.8), dbSNP rs758222990, ClinGen allele CA399305535.

ClinVar aggregate classification (germline): Uncertain significance (1 of 4 stars; one submission).

gnomAD v4.1: 1 of 1,613,784 alleles (0.000062%); no homozygotes.

Submission:

Labcorp Genetics (formerly Invitae), Labcorp
Classification: Uncertain significance. Last evaluated: 2024-11-04. Review status: criteria provided, single submitter. Criteria: Invitae Variant Classification Sherloc (09022015). Collection method: clinical testing. Allele origin: germline.
Comment: This sequence change replaces arginine, which is basic and polar, with glycine, which is neutral and non-polar, at codon 896 of the ERBB2 protein (p.Arg896Gly). This variant is not present in population databases (gnomAD no frequency). This variant has not been reported in the literature in individuals affected with ERBB2-related conditions. ClinVar contains an entry for this variant (Variation ID: 1351833). Invitae Evidence Modeling of protein sequence and biophysical properties (such as structural, functional, and spatial information, amino acid conservation, physicochemical variation, residue mobility, and thermodynamic stability) has been performed for this missense variant. However, the output from this modeling did not meet the statistical confidence thresholds required to predict the impact of this variant on ERBB2 protein function. In summary, the available evidence is currently insufficient to determine the role of this variant in disease. Therefore, it has been classified as a Variant of Uncertain Significance.